The following is an entry in ClinVar:

ClinVar aggregate classification (germline): Uncertain significance (1 of 4 stars; one submission).

Allele frequency attached by ClinVar (database versions not stated): gnomAD 0.00001.
gnomAD v4.1: 2 of 1,610,152 alleles (0.00012%); highest among the groups gnomAD compares: Admixed American, 0.0033%; no homozygotes.

Submission:

Labcorp Genetics (formerly Invitae), Labcorp
Classification: Uncertain significance. Last evaluated: 2026-01-19. Review status: criteria provided, single submitter. Criteria: Invitae Variant Classification Sherloc (09022015). Collection method: clinical testing. Allele origin: germline.
Comment: This sequence change replaces threonine, which is neutral and polar, with alanine, which is neutral and non-polar, at codon 845 of the AP3B2 protein (p.Thr845Ala). This variant is present in population databases (no rsID available, gnomAD 0.1%). This variant has not been reported in the literature in individuals affected with AP3B2-related conditions. ClinVar contains an entry for this variant (Variation ID: 2163206). An algorithm developed to predict the effect of missense changes on protein structure and function (PolyPhen-2) suggests that this variant is likely to be tolerated. In summary, the available evidence is currently insufficient to determine the role of this variant in disease. Therefore, it has been classified as a Variant of Uncertain Significance.

NM_001278512.2(AP3B2):c.2590A>G (p.Thr864Ala)

Genes: AP3B2 (adaptor related protein complex 3 subunit beta 2; minus strand), CPEB1-AS1 (CPEB1 antisense RNA 1; plus strand). Cytogenetic location: 15q25.2.
Variant type: single nucleotide variant.
Coding change: c.2590A>G on transcript NM_001278512.2 (MANE Select); coding-DNA position 2590, A replaced by G.
Protein change: p.Thr864Ala; replaces threonine 864 with alanine.
Molecular consequence: missense variant.
Genome position (GRCh38, 1-based): chr15:82,663,141, T>C on the plus strand (A>G on the coding strand, the complement: AP3B2 is on the minus strand). VCF-style: chr15-82663141-T-C. GRCh37 (hg19) VCF-style: chr15-83331893-T-C.
Other names: c.2437A>G, p.Thr813Ala (NM_001278511.2); c.2533A>G, p.Thr845Ala (NM_004644.5); short protein forms T864A, T845A, T813A.
Identifiers: ClinVar variation 2163206 (VCV002163206.2), dbSNP rs11539153, ClinGen allele CA393309386.